The following continues an entry in ClinVar:

NM_006446.5(SLCO1B1):c.1738C>T (p.Arg580Ter)

Gene: SLCO1B1. ClinVar aggregate classification (germline): Pathogenic/Likely pathogenic. Pathogenic (13); Likely pathogenic (1).

Submissions 11 to 17 of 17:

Mendelics
Classification: Pathogenic for Rotor syndrome. Last evaluated: 2022-05-04. Review status: criteria provided, single submitter. Criteria: Mendelics Assertion Criteria 2019. Collection method: clinical testing. Allele origin: germline.

CeGaT Center for Human Genetics Tuebingen
Classification: Pathogenic. Last evaluated: 2021-11-01. Review status: criteria provided, single submitter. Criteria: CeGaT Center For Human Genetics Tuebingen Variant Classification Criteria Version 2. Collection method: clinical testing. Allele origin: germline. Affected: yes. Observed: 1 variant allele.

Illumina Laboratory Services, Illumina
Classification: Pathogenic for Rotor syndrome. Last evaluated: 2018-12-13. Review status: criteria provided, single submitter. Criteria: ICSL Variant Classification Criteria 09 May 2019. Collection method: clinical testing. Allele origin: germline.
Comment: The SLCO1B1 c.1738C>T (p.Arg580Ter) variant is a stop-gained variant predicted to result in premature termination of the protein. The variant has been described in two studies in which it is found in a homozygous state in a total of nine individuals (including three siblings) with Rotor syndrome, who are also homozygous for either a 7.2 kb deletion or 6.1 kb intronic insertion in the SLCO1B3 gene (van de Steeg et al. 2012; Kagawa et al. 2015). The p.Arg580Ter variant was found to be absent from 554 controls but is reported at a frequency of 0.01923 in the Japanese in Tokyo, Japan population of the 1000 Genomes Project. The p.Arg580Ter residue occurs in a highly conserved region of the protein. The predicted truncation results in the loss of half of two transmembrane domains as well as a cytoplasmic tail, which may affect transport activity (Kim et al. 2007). Based on the potential impact of stop-gained variants and the evidence from the literature, the p.Arg580Ter variant is classified as pathogenic for Rotor syndrome. Note: bi-allelic variants in both the SLCO1B1 and SLCO1B3 genes combined have been shown to cause Rotor syndrome. For an individual to be affected with Rotor syndrome, they must carry a pathogenic variant in both copies of the SLCO1B1 gene and in both copies of the SLCO1B3 gene. This variant was observed by ICSL as part of a predisposition screen in an ostensibly healthy population.

Juno Genomics, Hangzhou Juno Genomics, Inc
Classification: Pathogenic for Rotor syndrome. Review status: criteria provided, single submitter. Criteria: ACMG Guidelines, 2015. Collection method: clinical testing. Allele origin: germline.
Comment: For recessive disorders, detected in trans with a pathogenic variant.;Patient's phenotype or family history is highly specific for a disease with a single genetic etiology.;Null variant in a gene where loss of function (LOF) is a known mechanism of disease.

Gene Friend Way, National Innovation Center
Classification: Pathogenic for Type 2 diabetes mellitus. Last evaluated: 2025-01-01. Review status: no assertion criteria provided. Collection method: clinical testing. Allele origin: unknown. Affected: yes. Observed: 1 variant allele. Not counted in ClinVar's aggregate classification.
Comment: This variant induces an early termination codon and is predicted to result in loss of normal protein function. SLCO1B1 polymorphism associated with an increased risk of type 2 diabetes has been reported (PMID: 36557197; 29534995).

OMIM
Classification: Pathogenic for HYPERBILIRUBINEMIA, ROTOR TYPE, DIGENIC. Last evaluated: 2012-02-01. Review status: no assertion criteria provided. Collection method: literature only. Allele origin: germline. Not counted in ClinVar's aggregate classification.

Department of Traditional Chinese Medicine, Fujian Provincial Hospital
Classification: Pathogenic for Rotor syndrome. Review status: no assertion criteria provided. Collection method: research. Allele origin: de novo. Affected: no. Observed: 1 homozygote. Not counted in ClinVar's aggregate classification.

Literature cited by the submitters: PubMed 39071607 (cited by Dasa); PubMed 33860121 (cited by Dasa and Pittsburgh Clinical Genomics Laboratory, University of Pittsburgh Medical Center); PubMed 34354231 (cited by 3billion); PubMed 25546334 (cited by 3 submitters); PubMed 32082363 (cited by Women's Health and Genetics/Laboratory Corporation of America, LabCorp and Pittsburgh Clinical Genomics Laboratory, University of Pittsburgh Medical Center); PubMed 22232210 (cited by 4 submitters); PubMed 18159134 (cited by 3 submitters); PubMed 35257483 (cited by Pittsburgh Clinical Genomics Laboratory, University of Pittsburgh Medical Center); PubMed 35797228 (cited by Pittsburgh Clinical Genomics Laboratory, University of Pittsburgh Medical Center); PubMed 36557197 (cited by Gene Friend Way, National Innovation Center); PubMed 29534995 (cited by Gene Friend Way, National Innovation Center); PubMed 20955959 (cited by Department of Traditional Chinese Medicine, Fujian Provincial Hospital).